The following is an entry in ClinVar:

ClinVar aggregate classification (germline): Likely pathogenic (1 of 4 stars; one submission).

Conditions:
3-methylcrotonyl-CoA carboxylase 1 deficiency (MCC1D). Also called: MCCD TYPE 1; METHYLCROTONYLGLYCINURIA TYPE I; MCC 1 deficiency; 3 Alpha methylcrotonylglycinuria 1. Identifiers: Orphanet 6, MedGen CN028786, MONDO:0008861, OMIM 210200.

Submission:

Natera, Inc.
Classification: Likely pathogenic for 3-methylcrotonyl-CoA carboxylase 1 deficiency. Last evaluated: 2024-09-10. Review status: criteria provided, single submitter. Criteria: Natera Variant Classification Schema (03/2026). Collection method: clinical testing. Allele origin: germline.
Comment: The c.1481_1482del variant in MCCC1 is a frameshift variant predicted to shift the reading frame beginning at codon 494 and leads to a stop codon 38 codons downstream. This variant is expected to result in nonsense mediated decay, truncation, or a dysfunctional protein product. This variant is rare in the general population with a frequency below the threshold expected for the associated phenotype(s). Given the available evidence, this variant is classified as Likely Pathogenic.

NM_020166.5(MCCC1):c.1481_1482del (p.Lys494fs)

Gene: MCCC1 (methylcrotonyl-CoA carboxylase subunit 1; minus strand). Cytogenetic location: 3q27.1.
Variant type: Deletion.
Coding change: c.1481_1482del on transcript NM_020166.5 (MANE Select); coding-DNA positions 1481 to 1482, 2 bases deleted (AA; older notation c.1481_1482delAA).
Protein change: p.Lys494fs; shifts the reading frame from lysine 494.
Molecular consequence: frameshift variant. On other transcripts: non-coding transcript variant (1).
Genome position (GRCh38, 1-based): chr3:183,037,330-183,037,331, TT deleted on the plus strand (AA on the coding strand, the reverse complement: MCCC1 is on the minus strand); deleting any 2 consecutive bases within chr3:183,037,330-183,037,332 gives the same sequence; the c. name uses the placement nearest the transcript's 3' end. VCF-style (leftmost placement, unchanged base first): chr3-183037329-GTT-G. GRCh37 (hg19) VCF-style: chr3-182755117-GTT-G.
Other names: c.1130_1131del, p.Lys377fs (NM_001293273.2); c.1154_1155del, p.Lys385fs (NM_001363880.1); short protein forms K377fs, K385fs, K494fs.
Identifiers: ClinVar variation 4816028 (VCV004816028.1).
Genomic context (GRCh38, chr3:183,037,329, plus strand): 5'-GACCCAGGGCTGCCTGGCATAAAGACTCTTTGGCTGCAGCCTTCCGACTGAGCAACAACT[GTT>G]TGTGGTGTTGAGGGATGAAATCAGTGTGCACGTTCCCAGCTTCAAACTCTGGGTGGCCAG-3'